The following is an entry in ClinVar:

ClinVar aggregate classification (germline): Uncertain significance (1 of 4 stars; one submission).

Allele frequency attached by ClinVar (database versions not stated): gnomAD 0.00001; gnomAD exomes 0.00001.
gnomAD v4.1: 13 of 1,602,820 alleles (0.00081%); highest among the groups gnomAD compares: Admixed American, 0.0017%; no homozygotes.

Submission:

Labcorp Genetics (formerly Invitae), Labcorp
Classification: Uncertain significance. Last evaluated: 2026-01-31. Review status: criteria provided, single submitter. Criteria: Invitae Variant Classification Sherloc (09022015). Collection method: clinical testing. Allele origin: germline.
Comment: This sequence change replaces isoleucine, which is neutral and non-polar, with threonine, which is neutral and polar, at codon 566 of the TNNI3K protein (p.Ile566Thr). This variant is present in population databases (no rsID available, gnomAD 0.003%). This variant has not been reported in the literature in individuals affected with TNNI3K-related conditions. ClinVar contains an entry for this variant (Variation ID: 2890418). Invitae Evidence Modeling of protein sequence and biophysical properties (such as structural, functional, and spatial information, amino acid conservation, physicochemical variation, residue mobility, and thermodynamic stability) has been performed for this missense variant. However, the output from this modeling did not meet the statistical confidence thresholds required to predict the impact of this variant on TNNI3K protein function. In summary, the available evidence is currently insufficient to determine the role of this variant in disease. Therefore, it has been classified as a Variant of Uncertain Significance.

NM_015978.3(TNNI3K):c.1697T>C (p.Ile566Thr)

Genes: FPGT-TNNI3K (FPGT-TNNI3K readthrough; plus strand), TNNI3K (TNNI3 interacting kinase; plus strand). Cytogenetic location: 1p31.1.
Variant type: single nucleotide variant.
Coding change: c.1697T>C on transcript NM_015978.3 (MANE Select); coding-DNA position 1697, T replaced by C.
Protein change: p.Ile566Thr; replaces isoleucine 566 with threonine.
Molecular consequence: missense variant.
Genome position (GRCh38, 1-based): chr1:74,370,317, T>C. VCF-style: chr1-74370317-T-C. GRCh37 (hg19) VCF-style: chr1-74836001-T-C.
Other names: c.2000T>C, p.Ile667Thr (NM_001112808.3, NM_001199327.2); short protein forms I667T, I566T.
Identifiers: ClinVar variation 2890418 (VCV002890418.3), dbSNP rs1191413935, ClinGen allele CA340786543.